The following is an entry in ClinVar:

NM_017654.4(SAMD9):c.1126G>A (p.Ala376Thr)

Gene: SAMD9 (sterile alpha motif domain containing 9; minus strand). Cytogenetic location: 7q21.2.
Variant type: single nucleotide variant.
Coding change: c.1126G>A on transcript NM_017654.4 (MANE Select); coding-DNA position 1126, G replaced by A.
Protein change: p.Ala376Thr; replaces alanine 376 with threonine.
Molecular consequence: missense variant.
Genome position (GRCh38, 1-based): chr7:93,104,972, C>T on the plus strand (G>A on the coding strand, the complement: SAMD9 is on the minus strand). VCF-style: chr7-93104972-C-T. GRCh37 (hg19) VCF-style: chr7-92734285-C-T.
Other names: c.1126G>A, p.Ala376Thr (NM_001193307.2); c.1126G>A (NM_017654.3); short protein forms A376T.
Identifiers: ClinVar variation 1539805 (VCV001539805.9), dbSNP rs191186450, ClinGen allele CA4343017.

ClinVar aggregate classification (germline): Likely benign. Review status: criteria provided, multiple submitters, no conflicts (2 of 4 stars). 2 submissions from 2 submitters: Likely benign (2). Last evaluated 2026-01-16.

Conditions:
SAMD9-related disorder. Also called: SAMD9-related condition.

Allele frequency attached by ClinVar (database versions not stated): gnomAD 0.00003 and 0.00006; TOPMed 0.00005; 1000 Genomes Project 30x 0.00062; gnomAD exomes 0.00021; 1000 Genomes Project 0.00060; ExAC 0.00016.
gnomAD v4.1: 76 of 1,611,114 alleles (0.0047%); highest among the groups gnomAD compares: East Asian, 0.16%; no homozygotes.

Submissions (2):

PreventionGenetics, part of Exact Sciences
Classification: Likely benign for SAMD9-related condition. Last evaluated: 2026-01-16. Review status: criteria provided, single submitter. Criteria: ACMG Guidelines, 2015. Collection method: clinical testing. Allele origin: germline.
Comment: This variant is classified as likely benign based on ACMG/AMP sequence variant interpretation guidelines (Richards et al. 2015 PMID: 25741868, with internal and published modifications).

Labcorp Genetics (formerly Invitae), Labcorp
Classification: Likely benign. Last evaluated: 2026-01-11. Review status: criteria provided, single submitter. Criteria: Invitae Variant Classification Sherloc (09022015). Collection method: clinical testing. Allele origin: germline.